The following is an entry in ClinVar:

NM_000179.3(MSH6):c.2185G>A (p.Ala729Thr)

Gene: MSH6 (mutS homolog 6; plus strand). Cytogenetic location: 2p16.3.
Variant type: single nucleotide variant.
Coding change: c.2185G>A on transcript NM_000179.3 (MANE Select); coding-DNA position 2185, G replaced by A.
Protein change: p.Ala729Thr; replaces alanine 729 with threonine.
Molecular consequence: missense variant.
Genome position (GRCh38, 1-based): chr2:47,800,168, G>A. VCF-style: chr2-47800168-G-A. GRCh37 (hg19) VCF-style: chr2-48027307-G-A.
Other names: c.1795G>A, p.Ala599Thr (NM_001281492.2); c.1279G>A, p.Ala427Thr (NM_001281493.2, NM_001281494.2, NM_001406811.1 and 6 more transcripts); c.2281G>A, p.Ala761Thr (NM_001406795.1, NM_001406802.1); c.2185G>A, p.Ala729Thr (NM_001406796.1, NM_001406798.1, NM_001406800.1 and 3 more transcripts); c.1888G>A, p.Ala630Thr (NM_001406797.1, NM_001406801.1, NM_001406805.1 and 10 more transcripts); c.1660G>A, p.Ala554Thr (NM_001406799.1, NM_001406806.1, NM_001406807.1); c.2107G>A, p.Ala703Thr (NM_001406804.1); c.2191G>A, p.Ala731Thr (NM_001406813.1); and 1 more; short protein forms A554T, A703T, A729T, A761T, A599T, A673T, A427T, A630T.
Identifiers: ClinVar variation 1787326 (VCV001787326.4), dbSNP rs2104392972, ClinGen allele CA346751233.

ClinVar aggregate classification (germline): Uncertain significance. Review status: criteria provided, multiple submitters, no conflicts (2 of 4 stars). 2 submissions from 2 submitters: Uncertain significance (2). Last evaluated 2024-06-10.

Conditions:
Hereditary cancer-predisposing syndrome. Also called: Neoplastic Syndromes, Hereditary; Tumor predisposition; Hereditary Cancer Syndrome; Hereditary neoplastic syndrome. Identifiers: Orphanet 140162, MedGen C0027672, MeSH D009386, MONDO:0015356.
Hereditary nonpolyposis colorectal neoplasms. Identifiers: MedGen C0009405, MeSH D003123.

Allele frequency attached by ClinVar (database versions not stated): gnomAD exomes below 0.00001.
gnomAD v4.1: 1 of 1,614,188 alleles (0.000062%); highest among the groups gnomAD compares: Non-Finnish European, 0.000085%; no homozygotes.

Submissions (2):

Labcorp Genetics (formerly Invitae), Labcorp
Classification: Uncertain significance for Hereditary nonpolyposis colorectal neoplasms. Last evaluated: 2024-06-10. Review status: criteria provided, single submitter. Criteria: Invitae Variant Classification Sherloc (09022015). Collection method: clinical testing. Allele origin: germline.
Comment: This sequence change replaces alanine, which is neutral and non-polar, with threonine, which is neutral and polar, at codon 729 of the MSH6 protein (p.Ala729Thr). This variant is not present in population databases (gnomAD no frequency). This variant has not been reported in the literature in individuals affected with MSH6-related conditions. ClinVar contains an entry for this variant (Variation ID: 1787326). Advanced modeling of protein sequence and biophysical properties (such as structural, functional, and spatial information, amino acid conservation, physicochemical variation, residue mobility, and thermodynamic stability) performed at Invitae indicates that this missense variant is not expected to disrupt MSH6 protein function with a negative predictive value of 95%. In summary, the available evidence is currently insufficient to determine the role of this variant in disease. Therefore, it has been classified as a Variant of Uncertain Significance.

Ambry Genetics
Classification: Uncertain significance for Hereditary cancer-predisposing syndrome. Last evaluated: 2018-11-19. Review status: criteria provided, single submitter. Criteria: Ambry Variant Classification Scheme 2023. Collection method: clinical testing. Allele origin: germline.
Comment: The p.A729T variant (also known as c.2185G>A), located in coding exon 4 of the MSH6 gene, results from a G to A substitution at nucleotide position 2185. The alanine at codon 729 is replaced by threonine, an amino acid with similar properties. This amino acid position is poorly conserved in available vertebrate species. In addition, this alteration is predicted to be tolerated by in silico analysis. In addition, the CoDP in silico tool predicts this alteration to have a minor impact on molecular function, with a score of 0.00 (Terui H et al. J. Biomed. Sci. 2013 Apr;20:25). Since supporting evidence is limited at this time, the clinical significance of this alteration remains unclear.